The following is an entry in ClinVar:

NM_005422.4(TECTA):c.1013T>C (p.Phe338Ser)

Genes: TBCEL-TECTA (TBCEL-TECTA readthrough; plus strand), TECTA (tectorin alpha; plus strand). Cytogenetic location: 11q23.3.
Variant type: single nucleotide variant.
Coding change: c.1013T>C on transcript NM_005422.4 (MANE Select); coding-DNA position 1013, T replaced by C.
Protein change: p.Phe338Ser; replaces phenylalanine 338 with serine.
Molecular consequence: missense variant.
Genome position (GRCh38, 1-based): chr11:121,118,528, T>C. VCF-style: chr11-121118528-T-C. GRCh37 (hg19) VCF-style: chr11-120989237-T-C.
Other names: c.1970T>C, p.Phe657Ser (NM_001378761.1); short protein forms F338S, F657S.
Identifiers: ClinVar variation 1806592 (VCV001806592.2), dbSNP rs201571492, ClinGen allele CA6326654.

ClinVar aggregate classification (germline): Uncertain significance. Review status: criteria provided, multiple submitters, no conflicts (2 of 4 stars). 2 submissions from 2 submitters: Uncertain significance (2). Last evaluated 2022-09-16.

Allele frequency attached by ClinVar (database versions not stated): gnomAD 0.00001; gnomAD exomes 0.00001; TOPMed 0.00001; ExAC 0.00002; 1000 Genomes Project 30x 0.00016; 1000 Genomes Project 0.00020.
gnomAD v4.1: 10 of 1,614,180 alleles (0.00062%); highest among the groups gnomAD compares: East Asian, 0.02%; no homozygotes.

Submissions (2):

Blueprint Genetics
Classification: Uncertain significance. Last evaluated: 2022-09-16. Review status: criteria provided, single submitter. Criteria: ACMG Guidelines, 2015. Collection method: clinical testing. Allele origin: germline.

GeneDx
Classification: Uncertain significance. Last evaluated: 2022-06-22. Review status: criteria provided, single submitter. Criteria: GeneDx Variant Classification Process June 2021. Collection method: clinical testing. Allele origin: germline. Affected: yes.
Comment: In silico analysis supports that this missense variant has a deleterious effect on protein structure/function; Has not been previously published as pathogenic or benign to our knowledge; Located in the von Willebrand factor type D1 domain of the zonadhesin region (Hildebrand et al., 2011); This variant is associated with the following publications: (PMID: 21520338, 9590290, 31554319)